The following is an entry in ClinVar:

NM_153603.4(COG7):c.973G>A (p.Ala325Thr)

Gene: COG7 (component of oligomeric golgi complex 7; minus strand). Cytogenetic location: 16p12.2.
Variant type: single nucleotide variant.
Coding change: c.973G>A on transcript NM_153603.4 (MANE Select); coding-DNA position 973, G replaced by A.
Protein change: p.Ala325Thr; replaces alanine 325 with threonine.
Molecular consequence: missense variant.
Genome position (GRCh38, 1-based): chr16:23,424,785, C>T on the plus strand (G>A on the coding strand, the complement: COG7 is on the minus strand). VCF-style: chr16-23424785-C-T. GRCh37 (hg19) VCF-style: chr16-23436106-C-T.
Other names: short protein forms A325T.
Identifiers: ClinVar variation 885836 (VCV000885836.11), dbSNP rs116804305, ClinGen allele CA7961121.
Genomic context (GRCh38, chr16:23,424,785, plus strand): 5'-GAACTGGCAGGAAGGAATGTTTACGTAGGTGGGGGAGCAGTGCCATCTCCAAGCCCTTGG[C>T]GAAGTGGGCGGTGGCGTCGTAGAACTCCAGCAGCCTGGTGAGCTCCTGCTCGGGCCCTGC-3'
Protein context (NP_705831.1, residues 315-335): LEFYDATAHF[Ala325Thr]KGLEMALLPH

ClinVar aggregate classification (germline): Conflicting classifications of pathogenicity. Review status: criteria provided, conflicting classifications (1 of 4 stars). 3 submissions from 3 submitters: Uncertain significance (2); Likely benign (1). Last evaluated 2026-01-27.

Conditions:
COG7 congenital disorder of glycosylation (CDG2E). Also called: CONGENITAL DISORDER OF GLYCOSYLATION, TYPE IIe; CDG IIe. Identifiers: Orphanet 79333, MedGen C2931010, MONDO:0012118, OMIM 608779.
COG7-related disorder. Also called: COG7-related condition.

Allele frequency attached by ClinVar (database versions not stated): 1000 Genomes Project 30x 0.00031; 1000 Genomes Project 0.00040; gnomAD 0.00006 and 0.00008; ExAC 0.00016; TOPMed 0.00016.
gnomAD v4.1: 108 of 1,614,196 alleles (0.0067%); highest among the groups gnomAD compares: East Asian, 0.18%; 1 homozygote.

Submissions (3):

PreventionGenetics, part of Exact Sciences
Classification: Likely benign for COG7-related condition. Last evaluated: 2026-01-27. Review status: criteria provided, single submitter. Criteria: ACMG Guidelines, 2015. Collection method: clinical testing. Allele origin: germline.
Comment: This variant is classified as likely benign based on ACMG/AMP sequence variant interpretation guidelines (Richards et al. 2015 PMID: 25741868, with internal and published modifications).

Labcorp Genetics (formerly Invitae), Labcorp
Classification: Uncertain significance for COG7 congenital disorder of glycosylation. Last evaluated: 2024-01-29. Review status: criteria provided, single submitter. Criteria: Invitae Variant Classification Sherloc (09022015). Collection method: clinical testing. Allele origin: germline.
Comment: This sequence change replaces alanine, which is neutral and non-polar, with threonine, which is neutral and polar, at codon 325 of the COG7 protein (p.Ala325Thr). This variant is present in population databases (rs116804305, gnomAD 0.2%). This variant has not been reported in the literature in individuals affected with COG7-related conditions. ClinVar contains an entry for this variant (Variation ID: 885836). Advanced modeling of protein sequence and biophysical properties (such as structural, functional, and spatial information, amino acid conservation, physicochemical variation, residue mobility, and thermodynamic stability) performed at Invitae indicates that this missense variant is not expected to disrupt COG7 protein function with a negative predictive value of 80%. In summary, the available evidence is currently insufficient to determine the role of this variant in disease. Therefore, it has been classified as a Variant of Uncertain Significance.

Illumina Laboratory Services, Illumina
Classification: Uncertain significance for COG7 congenital disorder of glycosylation. Last evaluated: 2018-03-23. Review status: criteria provided, single submitter. Criteria: ICSL Variant Classification Criteria 13 December 2019. Collection method: clinical testing. Allele origin: germline.